The following is an entry in ClinVar:

ClinVar aggregate classification (germline): Pathogenic/Likely pathogenic. Review status: criteria provided, multiple submitters, no conflicts (2 of 4 stars). 11 submissions from 11 submitters: Pathogenic (8); Likely pathogenic (1). 2 of the submissions do not count toward it. Last evaluated 2026-01-18.

Conditions:
ANTXR2-related disorder. Also called: ANTXR2-related condition.
Hyaline fibromatosis syndrome (HFS). Also called: HYALINOSIS, SYSTEMIC; Hyalinosis, Inherited Systemic. Identifiers: Orphanet 2028, Orphanet 498474, MedGen C5574677, MONDO:0009229, OMIM 228600.

Submissions (11):

Labcorp Genetics (formerly Invitae), Labcorp
Classification: Pathogenic. Last evaluated: 2026-01-18. Review status: criteria provided, single submitter. Criteria: Invitae Variant Classification Sherloc (09022015). Collection method: clinical testing. Allele origin: germline.
Comment: This sequence change creates a premature translational stop signal (p.Ala359Cysfs*13) in the ANTXR2 gene. It is expected to result in an absent or disrupted protein product. Loss-of-function variants in ANTXR2 are known to be pathogenic (PMID: 12973667, 14508707). The frequency data for this variant in the population databases is considered unreliable, as metrics indicate poor data quality at this position in the gnomAD database. This premature translational stop signal has been observed in individual(s) with infantile systemic hyalinosis (PMID: 14508707, 28914269). This variant is also known as 1601-1602insC. ClinVar contains an entry for this variant (Variation ID: 2604). For these reasons, this variant has been classified as Pathogenic.

Dasa
Classification: Pathogenic. Last evaluated: 2025-11-19. Review status: criteria provided, single submitter. Criteria: DASA Assertion Criteria. Collection method: clinical testing. Allele origin: germline.
Comment: NM_058172.6(ANTXR2):c.1073dup (p.Ala359Cysfs*13) introduces a premature termination codon predicted to result in loss of normal protein function. Loss-of-function is an established mechanism of disease for this gene. This variant has been recurrently observed in affected individuals with related phenotype in a genotype context consistent with recessive disease (PMID: 14508707; PMID: 22383261; PMID: 28914269). The variant is present at low frequency in population datasets. Based on the available data, this variant is classified as pathogenic.

Genomic Medicine Center of Excellence, King Faisal Specialist Hospital and Research Centre
Classification: Pathogenic for Hyaline fibromatosis syndrome. Last evaluated: 2025-09-10. Review status: criteria provided, single submitter. Criteria: ACMG Guidelines, 2015. Collection method: clinical testing. Allele origin: germline.

PreventionGenetics, part of Exact Sciences
Classification: Likely pathogenic for ANTXR2-related condition. Last evaluated: 2025-05-21. Review status: criteria provided, single submitter. Criteria: ACMG Guidelines, 2015. Collection method: clinical testing. Allele origin: germline.
Comment: The ANTXR2 c.1073dupC variant is predicted to result in a frameshift and premature protein termination (p.Ala359Cysfs*13). This variant has been reported in multiple individuals with hyaline fibromatosis syndrome (described as 1601-1602insC in Hanks et al. 2003. PubMed ID: 14508707; described as 1601PinsC in Krasuska-Sławińska et al. 2015. PubMed ID: 26207694; described as p.Pro358Profs13X in Sugiura et al. 2016. PubMed ID: 26335786). Functional studies of this variant showed that the protein properly targeted to the cell surface and retained partial signal capability when compared to wild type protein, suggesting that this variant may lead to a milder defect (described as c.1073_1074insC and ANTXR2insC, Yan et al. 2013. PubMed ID: 23554269). This variant is present in 0.11% of alleles in individuals of Ashkenazi Jewish descent in gnomAD including one homozygote, indicating this variant is relatively common in this population. Frameshift variants in ANTXR2 are an established mechanism of disease. This variant is interpreted as likely pathogenic.

First Genomix Gene Laboratory, Genetic Diagnostics Department
Classification: Pathogenic for Hyaline fibromatosis syndrome. Last evaluated: 2025-03-18. Review status: criteria provided, single submitter. Criteria: ACMG Guidelines, 2015. Collection method: clinical testing. Allele origin: germline. Inheritance: Autosomal recessive inheritance. Affected: no. Observed: 1 variant allele.

Fulgent Genetics
Classification: Pathogenic for Hyaline fibromatosis syndrome. Last evaluated: 2024-04-09. Review status: criteria provided, single submitter. Criteria: ACMG Guidelines, 2015. Collection method: clinical testing. Allele origin: germline.

GeneDx
Classification: Pathogenic. Last evaluated: 2023-06-26. Review status: criteria provided, single submitter. Criteria: GeneDx Variant Classification Process June 2021. Collection method: clinical testing. Allele origin: germline. Affected: yes.
Comment: Frameshift variant predicted to result in protein truncation or nonsense mediated decay in a gene for which loss-of-function is a known mechanism of disease; One of three frameshift variants in the exon 13 hotspot that accounts for approximately 60% of all pathogenic alleles (Yan et al., 2013); This variant is associated with the following publications: (PMID: 26207694, 22383261, 26335786, 21328543, 28914269, 29801470, 31455396, 31019026, 14508707, 27174544, 23554269)

Women's Health and Genetics/Laboratory Corporation of America, LabCorp
Classification: Pathogenic for Juvenile hyaline fibromatosis. Last evaluated: 2022-02-21. Review status: criteria provided, single submitter. Criteria: LabCorp Variant Classification Summary - May 2015. Collection method: clinical testing. Allele origin: germline.
Comment: Variant summary: ANTXR2 c.1073dupC (p.Ala359CysfsX13) results in a premature termination codon, predicted to cause a truncation of the encoded protein or absence of the protein due to nonsense mediated decay, which are commonly known mechanisms for disease. Truncations downstream of this position have not been observed at our laboratory but reported in the HGMD database. The variant allele was found at a frequency of 0.0004 in 240676 control chromosomes in the gnomAD database, including 1 homozygote. This frequency is not significantly higher than estimated for a pathogenic variant in ANTXR2 causing Hyaline Fibromatosis Syndrome (0.0004 vs 0.0011), allowing no conclusion about variant significance. c.1073dupC has been reported in the literature as homozgygous and compound heterozygous genotypes in individuals affected with Hyaline Fibromatosis Syndrome (example, PMID 15725249, 12973667, 26335786). These data indicate that the variant is likely to be associated with disease. To our knowledge, no experimental evidence demonstrating an impact on protein function has been reported. Three clinical diagnostic laboratories have submitted clinical-significance assessments for this variant to ClinVar after 2014 without evidence for independent evaluation. All laboratories classified the variant as pathogenic. Based on the evidence outlined above, the variant was classified as pathogenic.

Rady Children's Institute for Genomic Medicine, Rady Children's Hospital San Diego
Classification: Pathogenic for HYALINE FIBROMATOSIS SYNDROME. Last evaluated: 2017-01-12. Review status: criteria provided, single submitter. Criteria: ACMG Guidelines, 2015. Collection method: clinical testing. Allele origin: germline. Affected: yes. Observed: 1 variant allele.
Comment: This frameshifting variant is predicted to truncate the ANTXR2 protein by approximately 25%. This variant is well reported in HFS, as a review of the literature revealed at least four compound heterozygotes, and three homozygotes with HFS carried the variant (PMID: 14508707, 21328543, 22383261, 23554269, 26207694, 26335786, 27174544). Additionally, functional studies by Yan et al. revealed that patient fibroblasts with the p.Ala359CysfsTer13 variant had decreased mRNA levels and abnormalities in protein folding (PMID: 23554269). The highest reported allele frequency is 0.00382 in the European (Non-Finnish) population, and one homozygote was found in the African population according to the ExAC database. The allele frequency is higher than predicted based on disease prevalence, and the presence of a homozygote may contradict evidence for pathogenicity. However, based on the combined evidence of reported cases and functional studies, the variant is classified as likely pathogenic.

Undiagnosed Diseases Network, NIH
Classification: Pathogenic for Hyaline fibromatosis syndrome. Last evaluated: 2016-06-03. Review status: no assertion criteria provided. Collection method: clinical testing. Allele origin: maternal. Inheritance: Autosomal recessive inheritance. Affected: yes. Observed: 1 variant allele, 1 homozygote. Study: Undiagnosed Diseases Network (NIH), UDN. Not counted in ClinVar's aggregate classification.

OMIM
Classification: Pathogenic for HYALINE FIBROMATOSIS SYNDROME. Last evaluated: 2012-04-01. Review status: no assertion criteria provided. Collection method: literature only. Allele origin: germline. Not counted in ClinVar's aggregate classification.

Literature cited by the submitters: PubMed 12973667 (cited by Labcorp Genetics (formerly Invitae), Labcorp and Women's Health and Genetics/Laboratory Corporation of America, LabCorp); PubMed 14508707 (cited by 3 submitters); PubMed 28914269 (cited by Labcorp Genetics (formerly Invitae), Labcorp and Dasa); PubMed 22383261 (cited by Dasa and OMIM); PubMed 15725249 (cited by Women's Health and Genetics/Laboratory Corporation of America, LabCorp); PubMed 26335786 (cited by Women's Health and Genetics/Laboratory Corporation of America, LabCorp); PMC 4264531 (cited by Undiagnosed Diseases Network, NIH); PMC 5851806 (cited by Undiagnosed Diseases Network, NIH).

NM_058172.6(ANTXR2):c.1073dup (p.Ala359fs)

Gene: ANTXR2 (ANTXR cell adhesion molecule 2; minus strand). Cytogenetic location: 4q21.21.
Variant type: Duplication.
Coding change: c.1073dup on transcript NM_058172.6 (MANE Select); coding-DNA position 1073, one base duplicated (C; older notation c.1073dupC).
Protein change: p.Ala359fs; shifts the reading frame from alanine 359.
Molecular consequence: frameshift variant.
Genome position (GRCh38, 1-based): chr4:79,984,832, G duplicated on the plus strand (C on the coding strand, the reverse complement: ANTXR2 is on the minus strand); the first of 4 consecutive G bases (chr4:79,984,832-79,984,835); duplicating any one gives the same sequence. VCF-style (leftmost placement, unchanged base first): chr4-79984831-A-AG. GRCh37 (hg19) VCF-style: chr4-80905985-A-AG.
Other names: c.1073dup, p.Ala359fs (NM_001145794.2); c.842dup, p.Ala282fs (NM_001286780.2, NM_001286781.2); c.1073dupC (NM_001145794.1, NM_058172.6); short protein forms A282fs, A359fs.
Identifiers: ClinVar variation 2604 (VCV000002604.16), dbSNP rs312262690, ClinGen allele CA252353.